The following is an entry in ClinVar:

ClinVar aggregate classification (germline): Uncertain significance. Review status: criteria provided, multiple submitters, no conflicts (2 of 4 stars). 2 submissions from 2 submitters: Uncertain significance (2). Last evaluated 2025-12-31.

Conditions:
Hypertrophic cardiomyopathy 14. Identifiers: MedGen C2750467, MONDO:0013197, OMIM 613251.
Cardiovascular phenotype. Identifiers: MedGen CN230736.

Allele frequency attached by ClinVar (database versions not stated): gnomAD exomes 0.00001.
gnomAD v4.1: 4 of 1,586,402 alleles (0.00025%); highest among the groups gnomAD compares: East Asian, 0.0071%; no homozygotes.

Submissions (2):

Labcorp Genetics (formerly Invitae), Labcorp
Classification: Uncertain significance for Hypertrophic cardiomyopathy 14. Last evaluated: 2025-12-31. Review status: criteria provided, single submitter. Criteria: Invitae Variant Classification Sherloc (09022015). Collection method: clinical testing. Allele origin: germline.
Comment: This sequence change replaces glutamic acid, which is acidic and polar, with glycine, which is neutral and non-polar, at codon 1885 of the MYH6 protein (p.Glu1885Gly). This variant is present in population databases (no rsID available, gnomAD 0.01%). This variant has not been reported in the literature in individuals affected with MYH6-related conditions. ClinVar contains an entry for this variant (Variation ID: 2969671). Invitae Evidence Modeling of protein sequence and biophysical properties (such as structural, functional, and spatial information, amino acid conservation, physicochemical variation, residue mobility, and thermodynamic stability) indicates that this missense variant is expected to disrupt MYH6 protein function with a positive predictive value of 80%. In summary, the available evidence is currently insufficient to determine the role of this variant in disease. Therefore, it has been classified as a Variant of Uncertain Significance.

Ambry Genetics
Classification: Uncertain significance for Cardiovascular phenotype. Last evaluated: 2025-02-10. Review status: criteria provided, single submitter. Criteria: Ambry Variant Classification Scheme 2023. Collection method: clinical testing. Allele origin: germline.
Comment: The p.E1885G variant (also known as c.5654A>G), located in coding exon 35 of the MYH6 gene, results from an A to G substitution at nucleotide position 5654. The glutamic acid at codon 1885 is replaced by glycine, an amino acid with similar properties. This amino acid position is conserved. In addition, this alteration is predicted to be deleterious by in silico analysis. Based on the available evidence, the clinical significance of this variant remains unclear.

NM_002471.4(MYH6):c.5654A>G (p.Glu1885Gly)

Gene: MYH6 (myosin heavy chain 6; minus strand). Cytogenetic location: 14q11.2.
Variant type: single nucleotide variant.
Coding change: c.5654A>G on transcript NM_002471.4 (MANE Select); coding-DNA position 5654, A replaced by G.
Protein change: p.Glu1885Gly; replaces glutamic acid 1885 with glycine.
Molecular consequence: missense variant.
Genome position (GRCh38, 1-based): chr14:23,383,232, T>C on the plus strand (A>G on the coding strand, the complement: MYH6 is on the minus strand). VCF-style: chr14-23383232-T-C. GRCh37 (hg19) VCF-style: chr14-23852441-T-C.
Other names: short protein forms E1885G.
Identifiers: ClinVar variation 2969671 (VCV002969671.4), dbSNP rs1442362401, ClinGen allele CA388983009.